The following is an entry in ClinVar:

ClinVar aggregate classification (germline): Uncertain significance (1 of 4 stars; one submission).

Conditions:
TLL1-related disorder. Also called: TLL1-related condition.

gnomAD v4.1: 4 of 1,613,694 alleles (0.00025%); highest among the groups gnomAD compares: African/African-American, 0.0053%; no homozygotes.

Submission:

PreventionGenetics, part of Exact Sciences
Classification: Uncertain significance for TLL1-related condition. Last evaluated: 2026-02-20. Review status: criteria provided, single submitter. Criteria: ACMG Guidelines, 2015. Collection method: clinical testing. Allele origin: germline.
Comment: The TLL1 c.1739A>G variant is predicted to result in the amino acid substitution p.Lys580Arg. To our knowledge, this variant has not been reported in the literature. This variant is reported in 0.0062% of alleles in individuals of African descent in gnomAD. At this time, the clinical significance of this variant is uncertain due to the absence of conclusive functional and genetic evidence.

NM_012464.5(TLL1):c.1739A>G (p.Lys580Arg)

Gene: TLL1 (tolloid like 1; plus strand). Cytogenetic location: 4q32.3.
Variant type: single nucleotide variant.
Coding change: c.1739A>G on transcript NM_012464.5 (MANE Select); coding-DNA position 1739, A replaced by G.
Protein change: p.Lys580Arg; replaces lysine 580 with arginine.
Molecular consequence: missense variant.
Genome position (GRCh38, 1-based): chr4:166,057,202, A>G. VCF-style: chr4-166057202-A-G. GRCh37 (hg19) VCF-style: chr4-166978354-A-G.
Other names: short protein forms K580R.
Identifiers: ClinVar variation 4977956 (VCV004977956.1).